The following is an entry in ClinVar:

ClinVar aggregate classification (germline): Likely benign (0 of 4 stars; one submission).

Conditions:
PLXNA4-related disorder. Also called: PLXNA4-related condition.

gnomAD v4.1: 7 of 1,613,730 alleles (0.00043%); highest among the groups gnomAD compares: African/African-American, 0.0013%; no homozygotes.

Submission:

PreventionGenetics, part of Exact Sciences
Classification: Likely benign for PLXNA4-related condition. Last evaluated: 2024-03-07. Review status: no assertion criteria provided. Collection method: clinical testing. Allele origin: germline.
Comment: This variant is classified as likely benign based on ACMG/AMP sequence variant interpretation guidelines (Richards et al. 2015 PMID: 25741868, with internal and published modifications).

NM_020911.2(PLXNA4):c.4865-4G>A

Gene: PLXNA4 (plexin A4; minus strand). Cytogenetic location: 7q32.3.
Variant type: single nucleotide variant.
Coding change: c.4865-4G>A on transcript NM_020911.2 (MANE Select); 4 bases into the intron before coding-DNA position 4865, G replaced by A.
Molecular consequence: intron variant.
Genome position (GRCh38, 1-based): chr7:132,146,704, C>T on the plus strand (G>A on the coding strand, the complement: PLXNA4 is on the minus strand). VCF-style: chr7-132146704-C-T. GRCh37 (hg19) VCF-style: chr7-131831463-C-T.
Other names: c.4865-4G>A (NM_001393897.1).
Identifiers: ClinVar variation 3356507 (VCV003356507.1).